The following is an entry in ClinVar:

NM_007074.4(CORO1A):c.580T>A (p.Ser194Thr)

Genes: CORO1A (coronin 1A; plus strand), LOC121587541 (Sharpr-MPRA regulatory region 7413; plus strand). Cytogenetic location: 16p11.2.
Variant type: single nucleotide variant.
Coding change: c.580T>A on transcript NM_007074.4 (MANE Select); coding-DNA position 580, T replaced by A.
Protein change: p.Ser194Thr; replaces serine 194 with threonine.
Molecular consequence: missense variant.
Genome position (GRCh38, 1-based): chr16:30,187,167, T>A. VCF-style: chr16-30187167-T-A. GRCh37 (hg19) VCF-style: chr16-30198488-T-A.
Other names: c.580T>A, p.Ser194Thr (NM_001193333.3); c.580T>A (NM_007074.3); short protein forms S194T.
Identifiers: ClinVar variation 1002221 (VCV001002221.9), dbSNP rs765799047, ClinGen allele CA8003160.

ClinVar aggregate classification (germline): Uncertain significance. Review status: criteria provided, multiple submitters, no conflicts (2 of 4 stars). 3 submissions from 3 submitters: Uncertain significance (3). Last evaluated 2024-10-21.

Conditions:
Severe combined immunodeficiency due to CORO1A deficiency. Also called: Immunodeficiency 8; IMMUNODEFICIENCY 8 WITH LYMPHOPROLIFERATION. Identifiers: Orphanet 228003, MedGen C3809383, MONDO:0014168, OMIM 615401.
Inborn genetic diseases. Identifiers: MedGen C0950123, MeSH D030342.

Allele frequency attached by ClinVar (database versions not stated): gnomAD exomes 0.00001; gnomAD 0.00003 and 0.00005; TOPMed 0.00007.

Submissions (3):

Labcorp Genetics (formerly Invitae), Labcorp
Classification: Uncertain significance for Severe combined immunodeficiency due to CORO1A deficiency. Last evaluated: 2024-10-21. Review status: criteria provided, single submitter. Criteria: Invitae Variant Classification Sherloc (09022015). Collection method: clinical testing. Allele origin: germline.
Comment: This sequence change replaces serine, which is neutral and polar, with threonine, which is neutral and polar, at codon 194 of the CORO1A protein (p.Ser194Thr). This variant is present in population databases (rs765799047, gnomAD 0.005%). This variant has not been reported in the literature in individuals affected with CORO1A-related conditions. ClinVar contains an entry for this variant (Variation ID: 1002221). Invitae Evidence Modeling of protein sequence and biophysical properties (such as structural, functional, and spatial information, amino acid conservation, physicochemical variation, residue mobility, and thermodynamic stability) indicates that this missense variant is not expected to disrupt CORO1A protein function with a negative predictive value of 80%. In summary, the available evidence is currently insufficient to determine the role of this variant in disease. Therefore, it has been classified as a Variant of Uncertain Significance.

Ambry Genetics
Classification: Uncertain significance for Inborn genetic diseases. Last evaluated: 2024-01-23. Review status: criteria provided, single submitter. Criteria: Ambry Variant Classification Scheme 2023. Collection method: clinical testing. Allele origin: germline.

Breakthrough Genomics
Classification: Uncertain significance. Review status: criteria provided, single submitter. Criteria: ACMG Guidelines, 2015. Collection method: not provided. Allele origin: germline. Inheritance: Autosomal recessive inheritance. Affected: yes.